The following is an entry in ClinVar:

ClinVar aggregate classification (germline): Uncertain significance. Review status: criteria provided, multiple submitters, no conflicts (2 of 4 stars). 3 submissions from 3 submitters: Uncertain significance (3). Last evaluated 2026-03-04.

Conditions:
VCAN-related disorder. Also called: VCAN-related condition.
Inborn genetic diseases. Identifiers: MedGen C0950123, MeSH D030342.

Allele frequency attached by ClinVar (database versions not stated): gnomAD 0.00003 and 0.00004; TOPMed 0.00003; ExAC 0.00004; gnomAD exomes 0.00004 and 0.00010; ESP Exome Variant Server 0.00008.
gnomAD v4.1: 150 of 1,613,890 alleles (0.0093%); highest among the groups gnomAD compares: Non-Finnish European, 0.012%; no homozygotes.

Submissions (3):

PreventionGenetics, part of Exact Sciences
Classification: Uncertain significance for VCAN-related condition. Last evaluated: 2026-03-04. Review status: criteria provided, single submitter. Criteria: ACMG Guidelines, 2015. Collection method: clinical testing. Allele origin: germline.
Comment: The VCAN c.5578A>G variant is predicted to result in the amino acid substitution p.Ile1860Val. To our knowledge, this variant has not been reported in the literature. This variant is reported in 0.0062% of alleles in individuals of European (Non-Finnish) descent in gnomAD. At this time, the clinical significance of this variant is uncertain due to the absence of conclusive functional and genetic evidence.

Ambry Genetics
Classification: Uncertain significance for Inborn genetic diseases. Last evaluated: 2025-08-06. Review status: criteria provided, single submitter. Criteria: Ambry Variant Classification Scheme 2023. Collection method: clinical testing. Allele origin: germline.

Labcorp Genetics (formerly Invitae), Labcorp
Classification: Uncertain significance. Last evaluated: 2024-12-12. Review status: criteria provided, single submitter. Criteria: Invitae Variant Classification Sherloc (09022015). Collection method: clinical testing. Allele origin: germline.
Comment: This sequence change replaces isoleucine, which is neutral and non-polar, with valine, which is neutral and non-polar, at codon 1860 of the VCAN protein (p.Ile1860Val). This variant is present in population databases (rs373509652, gnomAD 0.008%). This variant has not been reported in the literature in individuals affected with VCAN-related conditions. ClinVar contains an entry for this variant (Variation ID: 1357043). An algorithm developed to predict the effect of missense changes on protein structure and function outputs the following: PolyPhen-2: "Benign". The valine amino acid residue is found in multiple mammalian species, which suggests that this missense change does not adversely affect protein function. In summary, the available evidence is currently insufficient to determine the role of this variant in disease. Therefore, it has been classified as a Variant of Uncertain Significance.

NM_004385.5(VCAN):c.5578A>G (p.Ile1860Val)

Genes: VCAN (versican; plus strand), VCAN-AS1 (VCAN antisense RNA 1; minus strand). Cytogenetic location: 5q14.3.
Variant type: single nucleotide variant.
Coding change: c.5578A>G on transcript NM_004385.5 (MANE Select); coding-DNA position 5578, A replaced by G.
Protein change: p.Ile1860Val; replaces isoleucine 1860 with valine.
Molecular consequence: missense variant. On other transcripts: intron variant (2).
Genome position (GRCh38, 1-based): chr5:83,538,581, A>G. VCF-style: chr5-83538581-A-G. GRCh37 (hg19) VCF-style: chr5-82834400-A-G.
Other names: c.2617A>G, p.Ile873Val (NM_001164097.2); c.4004-6956A>G (NM_001164098.2); c.1043-6956A>G (NM_001126336.3); c.5578A>G (NM_004385.4); short protein forms I873V, I1860V.
Identifiers: ClinVar variation 1357043 (VCV001357043.8), dbSNP rs373509652, ClinGen allele CA3333351.